The following is an entry in ClinVar:

ClinVar aggregate classification (germline): Uncertain significance (1 of 4 stars; one submission).

Conditions:
Charcot-Marie-Tooth disease recessive intermediate C. Also called: CHARCOT-MARIE-TOOTH NEUROPATHY, RECESSIVE INTERMEDIATE C. Identifiers: Orphanet 369867, MedGen C3809309, MONDO:0014154, OMIM 615376.
Neuronopathy, distal hereditary motor, autosomal recessive 4. Also called: NEUROPATHY, DISTAL HEREDITARY MOTOR, AUTOSOMAL RECESSIVE 4; Autosomal recessive lower motor neuron disease with childhood onset. Identifiers: Orphanet 206580, MedGen C1970211, MONDO:0012608, OMIM 611067.

gnomAD v4.1: 1 of 1,610,532 alleles (0.000062%); highest among the groups gnomAD compares: Non-Finnish European, 0.000085%; no homozygotes.

Submission:

Labcorp Genetics (formerly Invitae), Labcorp
Classification: Uncertain significance for Neuronopathy, distal hereditary motor, autosomal recessive 4; Charcot-Marie-Tooth disease recessive intermediate C. Last evaluated: 2021-03-24. Review status: criteria provided, single submitter. Criteria: Invitae Variant Classification Sherloc (09022015). Collection method: clinical testing. Allele origin: germline.
Comment: In summary, the available evidence is currently insufficient to determine the role of this variant in disease. Therefore, it has been classified as a Variant of Uncertain Significance. Algorithms developed to predict the effect of missense changes on protein structure and function are either unavailable or do not agree on the potential impact of this missense change (SIFT: "Deleterious"; PolyPhen-2: "Benign"; Align-GVGD: "Class C0"). This variant has not been reported in the literature in individuals with PLEKHG5-related conditions. This variant is not present in population databases (ExAC no frequency). This sequence change replaces glutamic acid with lysine at codon 371 of the PLEKHG5 protein (p.Glu371Lys). The glutamic acid residue is highly conserved and there is a small physicochemical difference between glutamic acid and lysine.

NM_020631.6(PLEKHG5):c.1111G>A (p.Glu371Lys)

Gene: PLEKHG5 (pleckstrin homology and RhoGEF domain containing G5; minus strand). Cytogenetic location: 1p36.31.
Variant type: single nucleotide variant.
Coding change: c.1111G>A on transcript NM_020631.6 (MANE Select); coding-DNA position 1111, G replaced by A.
Protein change: p.Glu371Lys; replaces glutamic acid 371 with lysine.
Molecular consequence: missense variant.
Genome position (GRCh38, 1-based): chr1:6,471,778, C>T on the plus strand (G>A on the coding strand, the complement: PLEKHG5 is on the minus strand). VCF-style: chr1-6471778-C-T. GRCh37 (hg19) VCF-style: chr1-6531838-C-T.
Other names: c.1222G>A, p.Glu408Lys (NM_001042663.3, NM_001265592.2); c.1111G>A, p.Glu371Lys (NM_001042664.2, NM_001042665.2, NM_001265594.3 and 1 more transcripts); c.1318G>A, p.Glu440Lys (NM_001265593.2); short protein forms E371K, E408K, E440K.
Identifiers: ClinVar variation 1519005 (VCV001519005.8), dbSNP rs2148585629, ClinGen allele CA338132044.